The following is an entry in ClinVar:

ClinVar aggregate classification (germline): Uncertain significance (1 of 4 stars; one submission).

Submission:

Labcorp Genetics (formerly Invitae), Labcorp
Classification: Uncertain significance. Last evaluated: 2024-05-21. Review status: criteria provided, single submitter. Criteria: Invitae Variant Classification Sherloc (09022015). Collection method: clinical testing. Allele origin: germline.
Comment: This sequence change replaces glutamic acid, which is acidic and polar, with valine, which is neutral and non-polar, at codon 211 of the PACS2 protein (p.Glu211Val). This variant is not present in population databases (gnomAD no frequency). This variant has not been reported in the literature in individuals affected with PACS2-related conditions. An algorithm developed to predict the effect of missense changes on protein structure and function (PolyPhen-2) suggests that this variant is likely to be disruptive. In summary, the available evidence is currently insufficient to determine the role of this variant in disease. Therefore, it has been classified as a Variant of Uncertain Significance.

NM_001100913.3(PACS2):c.632A>T (p.Glu211Val)

Gene: PACS2 (phosphofurin acidic cluster sorting protein 2; plus strand). Cytogenetic location: 14q32.33.
Variant type: single nucleotide variant.
Coding change: c.632A>T on transcript NM_001100913.3 (MANE Select); coding-DNA position 632, A replaced by T.
Protein change: p.Glu211Val; replaces glutamic acid 211 with valine.
Molecular consequence: missense variant.
Genome position (GRCh38, 1-based): chr14:105,368,119, A>T. VCF-style: chr14-105368119-A-T. GRCh37 (hg19) VCF-style: chr14-105834456-A-T.
Other names: c.431A>T, p.Glu144Val (NM_001243127.3); c.632A>T, p.Glu211Val (NM_015197.4); short protein forms E144V, E211V.
Identifiers: ClinVar variation 3654098 (VCV003654098.2).